The following is an entry in ClinVar:

ClinVar aggregate classification (germline): Pathogenic/Likely pathogenic. Review status: criteria provided, multiple submitters, no conflicts (2 of 4 stars). 4 submissions from 4 submitters: Pathogenic (3); Likely pathogenic (1). Last evaluated 2026-03-27.

Conditions:
Telangiectasia, hereditary hemorrhagic, type 2 (HHT2). Also called: ACVRL1-Related Hereditary Hemorrhagic Telangiectasia; Telangiectasia, hereditary hemorrhagic, type II. Identifiers: Orphanet 774, MedGen C1838163, MONDO:0010880, OMIM 600376. Disease mechanism: loss of function.
Cardiovascular phenotype. Identifiers: MedGen CN230736.

Submissions (4):

GeneDx
Classification: Likely pathogenic. Last evaluated: 2026-03-27. Review status: criteria provided, single submitter. Criteria: GeneDx Variant Classification Process June 2021. Collection method: clinical testing. Allele origin: germline.
Comment: Nonsense variant predicted to result in protein truncation, as the last 38 amino acid(s) are lost, and other loss-of-function variants have been reported downstream in HGMD; Not observed at significant frequency in large population cohorts (gnomAD); This variant is associated with the following publications: (PMID: 21158752)

Ambry Genetics
Classification: Pathogenic for Cardiovascular phenotype. Last evaluated: 2024-09-05. Review status: criteria provided, single submitter. Criteria: Ambry Variant Classification Scheme 2023. Collection method: clinical testing. Allele origin: germline.
Comment: The p.Q466* pathogenic mutation (also known as c.1396C>T), located in coding exon 9 of the ACVRL1 gene, results from a C to T substitution at nucleotide position 1396. This changes the amino acid from a glutamine to a stop codon within coding exon 9. This alteration occurs at the 3' terminus of theACVRL1 gene, is not expected to trigger nonsense-mediated mRNA decay, and only impacts the last 7.5% of the protein. However, premature stop codons are typically deleterious in nature and a significant portion of the protein is affected (Ambry internal data). This alteration has been reported in a hereditary hemorrhagic telangiectasia (HHT) cohort (McDonald J et al. Clin Genet, 2011 Apr;79:335-44). This variant is considered to be rare based on population cohorts in the Genome Aggregation Database (gnomAD). Based on the supporting evidence, this variant is interpreted as a disease-causing mutation.

Mayo Clinic Laboratories, Mayo Clinic
Classification: Pathogenic. Last evaluated: 2024-06-06. Review status: criteria provided, single submitter. Criteria: ACMG Guidelines, 2015. Collection method: clinical testing. Allele origin: germline. Observed: 1 variant allele.
Comment: PM2, PS4_moderate, PVS1_strong

Labcorp Genetics (formerly Invitae), Labcorp
Classification: Pathogenic for Telangiectasia, hereditary hemorrhagic, type 2. Last evaluated: 2022-11-23. Review status: criteria provided, single submitter. Criteria: Invitae Variant Classification Sherloc (09022015). Collection method: clinical testing. Allele origin: germline.
Comment: This variant disrupts a region of the ACVRL1 protein in which other variant(s) (p.Arg479*) have been determined to be pathogenic (PMID: 15024723, 15065824, 15517393, 15712271, 16429404, 16540754, 18673552, 21158752, 23722869; Invitae). This suggests that this is a clinically significant region of the protein, and that variants that disrupt it are likely to be disease-causing. This premature translational stop signal has been observed in individual(s) with clinical features of hereditary hemorrhagic telangiectasia (PMID: 21158752). This variant is not present in population databases (gnomAD no frequency). This sequence change creates a premature translational stop signal (p.Gln466*) in the ACVRL1 gene. While this is not anticipated to result in nonsense mediated decay, it is expected to disrupt the last 38 amino acid(s) of the ACVRL1 protein. For these reasons, this variant has been classified as Pathogenic.

Literature cited by the submitters: PubMed 21158752 (cited by 3 submitters); PubMed 15024723 (cited by Labcorp Genetics (formerly Invitae), Labcorp); PubMed 15065824 (cited by Labcorp Genetics (formerly Invitae), Labcorp); PubMed 15517393 (cited by Labcorp Genetics (formerly Invitae), Labcorp); PubMed 15712271 (cited by Labcorp Genetics (formerly Invitae), Labcorp); PubMed 16429404 (cited by Labcorp Genetics (formerly Invitae), Labcorp); PubMed 16540754 (cited by Labcorp Genetics (formerly Invitae), Labcorp); PubMed 18673552 (cited by Labcorp Genetics (formerly Invitae), Labcorp); PubMed 23722869 (cited by Labcorp Genetics (formerly Invitae), Labcorp).

NM_000020.3(ACVRL1):c.1396C>T (p.Gln466Ter)

Gene: ACVRL1 (activin A receptor like type 1; plus strand). Cytogenetic location: 12q13.13.
Variant type: single nucleotide variant.
Coding change: c.1396C>T on transcript NM_000020.3 (MANE Select); coding-DNA position 1396, C replaced by T.
Protein change: p.Gln466Ter; replaces glutamine 466 with a stop codon.
Molecular consequence: nonsense.
Genome position (GRCh38, 1-based): chr12:51,920,777, C>T. VCF-style: chr12-51920777-C-T. GRCh37 (hg19) VCF-style: chr12-52314561-C-T.
Other names: p.Gln466*; c.1396C>T, p.Gln466Ter (NM_001077401.2, NM_001406487.1); c.1240C>T, p.Gln414Ter (NM_001406490.1); c.1084C>T, p.Gln362Ter (NM_001406491.1, NM_001406492.1); c.886C>T, p.Gln296Ter (NM_001406494.1); c.832C>T, p.Gln278Ter (NM_001406495.1); short protein forms Q296*, Q414*, Q278*, Q466*, Q362*.
Identifiers: ClinVar variation 2735879 (VCV002735879.6), dbSNP rs2540174456, ClinGen allele CA384905331.
Genomic context (GRCh38, chr12:51,920,777, plus strand): 5'-CTCTCTGCCTCCTCTCCTCTGCACCTCTCTCCCAACCCCCAGGTCCTCTCAGGCCTAGCT[C>T]AGATGATGCGGGAGTGCTGGTACCCAAACCCCTCTGCCCGACTCACCGCGCTGCGGATCA-3'